The following is an entry in ClinVar:

NM_024664.4(PPCS):c.560del (p.Pro187fs)

Genes: CCDC30 (coiled-coil domain containing 30; plus strand), PPCS (phosphopantothenoylcysteine synthetase; plus strand). Cytogenetic location: 1p34.2.
Variant type: Deletion.
Coding change: c.560del on transcript NM_024664.4 (MANE Select); coding-DNA position 560, one base deleted (C; older notation c.560delC).
Protein change: p.Pro187fs; shifts the reading frame from proline 187.
Molecular consequence: frameshift variant. On other transcripts: 5 prime UTR variant (2).
Genome position (GRCh38, 1-based): chr1:42,457,298, C deleted; the last of 2 consecutive C bases (chr1:42,457,297-42,457,298); deleting either gives the same sequence. VCF-style (leftmost placement, unchanged base first): chr1-42457296-TC-T. GRCh37 (hg19) VCF-style: chr1-42922967-TC-T.
Other names: c.-932del (NM_001355226.2); c.41del, p.Pro14fs (NM_001077447.3, NM_001287506.1, NM_001287508.2 and 2 more transcripts); c.-276del (NM_001287507.1); c.560del, p.Pro187fs (NM_001287511.2); short protein forms P187fs, P14fs.
Identifiers: ClinVar variation 1376173 (VCV001376173.7), dbSNP rs2148416875, ClinGen allele CA2573132348.

ClinVar aggregate classification (germline): Uncertain significance (1 of 4 stars; one submission).

Submission:

Labcorp Genetics (formerly Invitae), Labcorp
Classification: Uncertain significance. Last evaluated: 2022-08-16. Review status: criteria provided, single submitter. Criteria: Invitae Variant Classification Sherloc (09022015). Collection method: clinical testing. Allele origin: germline.
Comment: This sequence change creates a premature translational stop signal (p.Pro187Leufs*19) in the PPCS gene. While this is not anticipated to result in nonsense mediated decay, it is expected to disrupt the last 125 amino acid(s) of the PPCS protein. This variant is not present in population databases (gnomAD no frequency). In summary, the available evidence is currently insufficient to determine the role of this variant in disease. Therefore, it has been classified as a Variant of Uncertain Significance. Experimental studies and prediction algorithms are not available or were not evaluated, and the functional significance of this variant is currently unknown. ClinVar contains an entry for this variant (Variation ID: 1376173). This variant has not been reported in the literature in individuals affected with PPCS-related conditions.